The following is an entry in ClinVar:

ClinVar aggregate classification (germline): Uncertain significance (1 of 4 stars; one submission).

Conditions:
Microcephaly 18, primary, autosomal dominant (MCPH18). Identifiers: MedGen C4479608, MONDO:0054593, OMIM 617520.

Submission:

Laboratorio de Genetica e Diagnostico Molecular, Hospital Israelita Albert Einstein
Classification: Uncertain significance for Microcephaly 18, primary, autosomal dominant. Last evaluated: 2024-07-12. Review status: criteria provided, single submitter. Criteria: ACMG Guidelines, 2015. Collection method: clinical testing. Allele origin: germline. Affected: yes.
Comment: ACMG classification criteria: PM2 supporting, PP2 supporting, BP4 supporting

NM_014991.6(WDFY3):c.5038C>A (p.His1680Asn)

Gene: WDFY3 (WD repeat and FYVE domain containing 3; minus strand). Cytogenetic location: 4q21.23.
Variant type: single nucleotide variant.
Coding change: c.5038C>A on transcript NM_014991.6 (MANE Select); coding-DNA position 5038, C replaced by A.
Protein change: p.His1680Asn; replaces histidine 1680 with asparagine.
Molecular consequence: missense variant.
Genome position (GRCh38, 1-based): chr4:84,765,960, G>T on the plus strand (C>A on the coding strand, the complement: WDFY3 is on the minus strand). VCF-style: chr4-84765960-G-T. GRCh37 (hg19) VCF-style: chr4-85687113-G-T.
Other names: short protein forms H1680N.
Identifiers: ClinVar variation 4076315 (VCV004076315.1).